The following is an entry in ClinVar:

NM_001148.6(ANK2):c.2891T>C (p.Ile964Thr)

Gene: ANK2 (ankyrin 2; plus strand). Cytogenetic location: 4q26.
Variant type: single nucleotide variant.
Coding change: c.2891T>C on transcript NM_001148.6 (MANE Select); coding-DNA position 2891, T replaced by C.
Protein change: p.Ile964Thr; replaces isoleucine 964 with threonine.
Molecular consequence: missense variant.
Genome position (GRCh38, 1-based): chr4:113,318,611, T>C. VCF-style: chr4-113318611-T-C. GRCh37 (hg19) VCF-style: chr4-114239767-T-C.
Other names: c.2828T>C, p.Ile943Thr (NM_001127493.3, NM_001354243.2, NM_001354255.2 and 3 more transcripts); c.2903T>C, p.Ile968Thr (NM_001354225.2); c.2891T>C, p.Ile964Thr (NM_001354228.2, NM_001354232.2, NM_001354258.2 and 1 more transcripts); c.2933T>C, p.Ile978Thr (NM_001354230.2, NM_001354231.2, NM_001354237.2 and 1 more transcripts); c.2888T>C, p.Ile963Thr (NM_001354235.2, NM_001354236.2, NM_001354246.2 and 1 more transcripts); c.2825T>C, p.Ile942Thr (NM_001354239.2, NM_001354244.2, NM_001354252.2 and 3 more transcripts); c.2936T>C, p.Ile979Thr (NM_001354240.2, NM_001354241.2, NM_001386144.1); c.2792T>C, p.Ile931Thr (NM_001354245.2, NM_001354268.2); and 17 more; short protein forms I893T, I902T, I930T, I931T, I935T, I942T, I950T, I978T.
Identifiers: ClinVar variation 1797316 (VCV001797316.2), dbSNP rs2500194528, ClinGen allele CA357932054.

ClinVar aggregate classification (germline): Uncertain significance (1 of 4 stars; one submission).

Conditions:
Cardiovascular phenotype. Identifiers: MedGen CN230736.

Submission:

Ambry Genetics
Classification: Uncertain significance for Cardiovascular phenotype. Last evaluated: 2020-01-15. Review status: criteria provided, single submitter. Criteria: Ambry Variant Classification Scheme 2023. Collection method: clinical testing. Allele origin: germline.
Comment: The p.I964T variant (also known as c.2891T>C), located in coding exon 26 of the ANK2 gene, results from a T to C substitution at nucleotide position 2891. The isoleucine at codon 964 is replaced by threonine, an amino acid with similar properties. A different variant affecting this codon (p.I964V, c.2890A>G) was detected in an individual from a cohort with prolonged QTc interval who may have had a non-genetic explanation for QTc prolongation, and co-occurred with a DSP variant in an arrhythmogenic right ventricular cardiomyopathy cohort (Gibbs C et al. J Am Heart Assoc, 2018 Aug;7:e009706; Roberts JD et al. J. Clin. Invest., 2019 07;129:3171-3184). This amino acid position is not well conserved in available vertebrate species. In addition, the in silico prediction for this alteration is inconclusive. Since supporting evidence is limited at this time, the clinical significance of this alteration remains unclear.

Literature cited by the submitters: PubMed 30369311; PubMed 31264976.